The following is an entry in ClinVar:

NM_001844.5(COL2A1):c.126T>A (p.Asn42Lys)

Gene: COL2A1 (collagen type II alpha 1 chain; minus strand). Cytogenetic location: 12q13.11.
Variant type: single nucleotide variant.
Coding change: c.126T>A on transcript NM_001844.5 (MANE Select); coding-DNA position 126, T replaced by A.
Protein change: p.Asn42Lys; replaces asparagine 42 with lysine.
Molecular consequence: missense variant. On other transcripts: intron variant (1).
Genome position (GRCh38, 1-based): chr12:48,000,085, A>T on the plus strand (T>A on the coding strand, the complement: COL2A1 is on the minus strand). VCF-style: chr12-48000085-A-T. GRCh37 (hg19) VCF-style: chr12-48393868-A-T.
Other names: c.86-1654T>A (NM_033150.3); short protein forms N42K.
Identifiers: ClinVar variation 2991779 (VCV002991779.3), dbSNP rs1940160586, ClinGen allele CA384526623.
Genomic context (GRCh38, chr12:48,000,085, plus strand): 5'-GACAGTCCCAGTGTCACAGACACAGATCCGGCAGGGCTCCGGCTTCCACACATCCTTATC[A>T]TTATACCTCTGCCCATCCTGCACACAGCTGCCAGCCTCCTCTGCACCAAGGGTGGGGAGG-3'
Protein context (NP_001835.3, residues 32-52): GSCVQDGQRY[Asn42Lys]DKDVWKPEPC

ClinVar aggregate classification (germline): Uncertain significance (1 of 4 stars; one submission).

Allele frequency attached by ClinVar (database versions not stated): TOPMed below 0.00001.

Submission:

Labcorp Genetics (formerly Invitae), Labcorp
Classification: Uncertain significance. Last evaluated: 2023-06-16. Review status: criteria provided, single submitter. Criteria: Invitae Variant Classification Sherloc (09022015). Collection method: clinical testing. Allele origin: germline.
Comment: This variant is not present in population databases (gnomAD no frequency). This sequence change replaces asparagine, which is neutral and polar, with lysine, which is basic and polar, at codon 42 of the COL2A1 protein (p.Asn42Lys). This variant has not been reported in the literature in individuals affected with COL2A1-related conditions. In summary, the available evidence is currently insufficient to determine the role of this variant in disease. Therefore, it has been classified as a Variant of Uncertain Significance. Advanced modeling of protein sequence and biophysical properties (such as structural, functional, and spatial information, amino acid conservation, physicochemical variation, residue mobility, and thermodynamic stability) performed at Invitae indicates that this missense variant is not expected to disrupt COL2A1 protein function.